The following is an entry in ClinVar:

ClinVar aggregate classification (germline): Conflicting classifications of pathogenicity. Review status: criteria provided, conflicting classifications (1 of 4 stars). 3 submissions from 3 submitters: Uncertain significance (1); Likely benign (1). 1 of the submissions does not count toward it. Last evaluated 2023-08-30.

Conditions:
Primary ciliary dyskinesia. Also called: Ciliary dyskinesia. Identifiers: Orphanet 244, MedGen C0008780, MONDO:0016575, HP:0012265.
Primary ciliary dyskinesia 3. Identifiers: Orphanet 244, MedGen C1837618, MONDO:0012085, OMIM 608644.

Allele frequency attached by ClinVar (database versions not stated): ExAC below 0.00001; gnomAD exomes 0.00002 and 0.00006; TOPMed 0.00002; gnomAD 0.00004.
gnomAD v4.1: 33 of 1,549,524 alleles (0.0021%); highest among the groups gnomAD compares: Admixed American, 0.02%; no homozygotes.

Submissions (3):

ARUP Laboratories, Molecular Genetics and Genomics, ARUP Laboratories
Classification: Uncertain significance for Primary ciliary dyskinesia 3. Last evaluated: 2023-08-30. Review status: criteria provided, single submitter. Criteria: ARUP Molecular Germline Variant Investigation Process 2024. Collection method: clinical testing. Allele origin: germline.
Comment: The DNAH5 c.7475C>T; p.Ala2492Val variant (rs529080443), to our knowledge, is not reported in the medical literature but is reported in ClinVar (Variation ID: 407234). This variant is found in the general population with an overall allele frequency of 0.0057% (10/176,774 alleles) in the Genome Aggregation Database. Computational analyses predict that this variant is neutral (REVEL: 0.06). Due to limited information, the clinical significance of this variant is uncertain at this time.

Labcorp Genetics (formerly Invitae), Labcorp
Classification: Likely benign for Primary ciliary dyskinesia. Last evaluated: 2023-04-11. Review status: criteria provided, single submitter. Criteria: Invitae Variant Classification Sherloc (09022015). Collection method: clinical testing. Allele origin: germline.

Natera, Inc.
Classification: Uncertain significance for Primary ciliary dyskinesia. Last evaluated: 2019-10-28. Review status: no assertion criteria provided. Collection method: clinical testing. Allele origin: germline. Not counted in ClinVar's aggregate classification.

NM_001369.3(DNAH5):c.7475C>T (p.Ala2492Val)

Gene: DNAH5 (dynein axonemal heavy chain 5; minus strand). Cytogenetic location: 5p15.2.
Variant type: single nucleotide variant.
Coding change: c.7475C>T on transcript NM_001369.3 (MANE Select); coding-DNA position 7475, C replaced by T.
Protein change: p.Ala2492Val; replaces alanine 2492 with valine.
Molecular consequence: missense variant.
Genome position (GRCh38, 1-based): chr5:13,810,193, G>A on the plus strand (C>T on the coding strand, the complement: DNAH5 is on the minus strand). VCF-style: chr5-13810193-G-A. GRCh37 (hg19) VCF-style: chr5-13810302-G-A.
Other names: short protein forms A2492V.
Identifiers: ClinVar variation 407234 (VCV000407234.10), dbSNP rs529080443, ClinGen allele CA3203085.